The following is an entry in ClinVar:

NM_001042492.3(NF1):c.1034_1035insGTTTTCCTACT (p.Val346fs)

Gene: NF1 (neurofibromin 1; plus strand). Cytogenetic location: 17q11.2.
Variant type: Microsatellite.
Coding change: c.1034_1035insGTTTTCCTACT on transcript NM_001042492.3 (MANE Select); coding-DNA positions 1034 to 1035, GTTTTCCTACT inserted.
Protein change: p.Val346fs; shifts the reading frame from valine 346.
Molecular consequence: frameshift variant.
Genome position: GRCh38 VCF-style: chr17-31200557-A-ATTTTCCTACTG. GRCh37 (hg19) VCF-style: chr17-29527575-A-ATTTTCCTACTG.
Other names: c.1025_1025T[4], p.Phe343Leufs (NM_000267.4); c.1034_1035insGTTTTCCTACT, p.Val346fs (NM_001128147.3); short protein forms V346fs.
Identifiers: ClinVar variation 958869 (VCV000958869.6), dbSNP rs2066509240.

ClinVar aggregate classification (germline): Pathogenic (1 of 4 stars; one submission).

Conditions:
Neurofibromatosis, type 1 (NF1). Also called: Peripheral type neurofibromatosis; VON RECKLINGHAUSEN DISEASE; NEUROFIBROMATOSIS, TYPE I, SOMATIC; Neurofibromatosis, type I. Identifiers: Orphanet 636, MedGen C0027831, MONDO:0018975, OMIM 162200. Disease mechanism: loss of function.

Submission:

Labcorp Genetics (formerly Invitae), Labcorp
Classification: Pathogenic for Neurofibromatosis, type 1. Last evaluated: 2019-08-08. Review status: criteria provided, single submitter. Criteria: Invitae Variant Classification Sherloc (09022015). Collection method: clinical testing. Allele origin: germline.
Comment: This sequence change creates a premature translational stop signal (p.Val346Phefs*34) in the NF1 gene. It is expected to result in an absent or disrupted protein product. This variant is not present in population databases (ExAC no frequency). This variant has not been reported in the literature in individuals with NF1-related conditions. Loss-of-function variants in NF1 are known to be pathogenic (PMID: 10712197, 23913538). For these reasons, this variant has been classified as Pathogenic.

Literature cited by the submitters: PubMed 10712197; PubMed 23913538.